The following is an entry in ClinVar:

ClinVar aggregate classification (germline): Pathogenic (3 of 4 stars; one submission).

Conditions:
Open-angle glaucoma. Identifiers: MedGen C0017612, MONDO:0005338, HP:0012108.

Submission:

ClinGen Glaucoma Variant Curation Expert Panel
Classification: Pathogenic for Open-angle glaucoma. Last evaluated: 2026-02-18. Review status: reviewed by expert panel. Criteria: ClinGen Glaucoma ACMG Specifications V2.0.0 Approved. Collection method: curation. Allele origin: germline. Inheritance: Autosomal dominant inheritance.
Comment: The c.1440C>G variant in MYOC is a missense variant predicted to cause substitution of Asparagine by Lysine at amino acid 480 (p.Asn480Lys). This variant was not found in any genetic ancestry group of gnomAD (v4.1.0), meeting the ≤ 0.0001 threshold set for PM2_Supporting in a genetic ancestry group of at least 10,000 alleles. The REVEL score = 0.784, which was within the 0.773-0.931 range for PP3_Moderate, predicting a damaging effect on MYOC function. The Asn480Lys protein had increased insolubility, instability and reduced secretion levels compared to wild type myocilin protein in these studies (PMIDs:16466712, 35196929, 21612213, 23129764). The assays met the OddsPath threshold for PS3_Moderate (> 4.3), indicating that this variant did impact protein function. This protein has also been assessed in these other studies (PMIDs: 10545602, 16297911), however, the same level of evidence was not met. 18 segregations in 2 families, with juvenile or primary open angle glaucoma (JOAG or POAG), have been reported (PMIDs: 18303389, 37670504), which fulfilled PP1_Strong (≥7 meioses in >1 family). 2 probands with JOAG or POAG have been reported carrying this variant (PMIDs: 18303389, 37670504), which met PS4_Supporting (≥ 2 probands). The same amino acid change (p.Asn480Lys), resulting from a different nucleotide change (c.1440C>A, ClinVarID: 7951), was classified as pathogenic for JOAG (without the application of PS1) by the ClinGen Glaucoma VCEP and was not predicted to affect splicing, as assessed with SpliceAI (≤ 0.2), meeting the conditions for PS1 to apply. In summary, this variant met the criteria to receive a score of 14 and to be classified as pathogenic (pathogenic classification ≥ 10, adapted from PMID: 32720330) for juvenile open angle glaucoma based on the ACMG/AMP criteria met, as specified by the ClinGen Glaucoma VCEP (v2.0.0, 5 Dec 2024): PS1, PP1_Strong, PS3_Moderate, PP3_Moderate, PS4_Supporting, PM2_Supporting

NM_000261.2(MYOC):c.1440C>G (p.Asn480Lys)

Gene: MYOC (myocilin; minus strand). Cytogenetic location: 1q24.3.
Variant type: single nucleotide variant.
Coding change: c.1440C>G on transcript NM_000261.2 (MANE Select); coding-DNA position 1440, C replaced by G.
Protein change: p.Asn480Lys; replaces asparagine 480 with lysine.
Molecular consequence: missense variant.
Genome position (GRCh38, 1-based): chr1:171,636,000, G>C on the plus strand (C>G on the coding strand, the complement: MYOC is on the minus strand). VCF-style: chr1-171636000-G-C. GRCh37 (hg19) VCF-style: chr1-171605140-G-C.
Other names: NM_000261.2:c.1440C>G; short protein forms N480K.
Identifiers: ClinVar variation 1686785 (VCV001686785.4), dbSNP rs74315332, ClinGen allele CA343723150.